The following is an entry in ClinVar:

ClinVar aggregate classification (germline): Likely benign (1 of 4 stars; one submission).

Allele frequency attached by ClinVar (database versions not stated): ExAC 0.00003; gnomAD exomes 0.00005; TOPMed 0.00003; gnomAD 0.00002.
gnomAD v4.1: 21 of 1,614,076 alleles (0.0013%); highest among the groups gnomAD compares: East Asian, 0.042%; no homozygotes.

Submission:

GeneDx
Classification: Likely benign. Last evaluated: 2018-06-15. Review status: criteria provided, single submitter. Criteria: GeneDx Variant Classification (06012015). Collection method: clinical testing. Allele origin: germline. Affected: yes.
Comment: This variant is considered likely benign or benign based on one or more of the following criteria: it is a conservative change, it occurs at a poorly conserved position in the protein, it is predicted to be benign by multiple in silico algorithms, and/or has population frequency not consistent with disease.

NM_001378120.1(MBD5):c.3771T>C (p.Asp1257=)

Gene: MBD5 (methyl-CpG binding domain protein 5; plus strand). Cytogenetic location: 2q23.1.
Variant type: single nucleotide variant.
Coding change: c.3771T>C on transcript NM_001378120.1 (MANE Select); coding-DNA position 3771, T replaced by C.
Protein change: p.Asp1257=; no amino-acid change (aspartic acid 1257 retained).
Molecular consequence: synonymous variant.
Genome position (GRCh38, 1-based): chr2:148,489,403, T>C. VCF-style: chr2-148489403-T-C. GRCh37 (hg19) VCF-style: chr2-149246972-T-C.
Other names: c.3072T>C, p.Asp1024= (NM_018328.5).
Identifiers: ClinVar variation 671960 (VCV000671960.1), dbSNP rs780699486, ClinGen allele CA1900334.
Genomic context (GRCh38, chr2:148,489,403, plus strand): 5'-ATTATTTCCCTTTCTCTCACTGCTTCCTGTCTATTTCTTCAAGGTGAGAATGCAGGAAGA[T>C]GCAGCTCTCCTAAACAAAAGAATAAGCACTCAGCCTGGGCTCACAGCACTTCCTGAGAAT-3'
Protein context (NP_001365049.1, residues 1247-1267): FQNFQVRMQE[Asp1257=]AALLNKRIST